The following is an entry in ClinVar:

NM_182476.3(COQ6):c.693T>C (p.Ala231=)

Genes: COQ6 (coenzyme Q6, monooxygenase; plus strand), ENTPD5 (ectonucleoside triphosphate diphosphohydrolase 5; minus strand). Cytogenetic location: 14q24.3.
Variant type: single nucleotide variant.
Coding change: c.693T>C on transcript NM_182476.3 (MANE Select); coding-DNA position 693, T replaced by C.
Protein change: p.Ala231=; no amino-acid change (alanine 231 retained).
Molecular consequence: synonymous variant. On other transcripts: 3 prime UTR variant (3), intron variant (2).
Genome position (GRCh38, 1-based): chr14:73,959,051, T>C. VCF-style: chr14-73959051-T-C. GRCh37 (hg19) VCF-style: chr14-74425754-T-C.
Other names: c.693T>C, p.Ala231= (NM_001425255.1, NM_001425256.1); c.528T>C, p.Ala176= (NM_001425257.1); c.618T>C, p.Ala206= (NM_001425258.1, NM_182480.3); c.468T>C, p.Ala156= (NM_001425259.1, NM_001425260.1, NM_001425261.1); c.438T>C, p.Ala146= (NM_001425262.1); c.366T>C, p.Ala122= (NM_001425263.1); c.153T>C, p.Ala51= (NM_001425264.1, NM_001425265.1); c.*479A>G (NM_001330189.2, NM_001382259.1, NM_001382260.1); and 2 more.
Identifiers: ClinVar variation 3352736 (VCV003352736.1).
Genomic context (GRCh38, chr14:73,959,051, plus strand): 5'-CTCCGGAGTACGGCAGGCTGTTGGAATCCAGAATGTGAGCTGGAACTATGACCAGTCTGC[T>C]GTTGTGGCTACTCTGCATTTATCAGAGGTAAGATCCTGAGCTGCCATCTGGGGACTTTAT-3'
Protein context (NP_872282.1, residues 221-241): QNVSWNYDQS[Ala231=]VVATLHLSEA

ClinVar aggregate classification (germline): Likely benign (0 of 4 stars; one submission).

Conditions:
COQ6-related disorder. Also called: COQ6-related condition.

gnomAD v4.1: 7 of 1,614,110 alleles (0.00043%); highest among the groups gnomAD compares: African/African-American, 0.0093%; no homozygotes.

Submission:

PreventionGenetics, part of Exact Sciences
Classification: Likely benign for COQ6-related condition. Last evaluated: 2019-05-14. Review status: no assertion criteria provided. Collection method: clinical testing. Allele origin: germline.
Comment: This variant is classified as likely benign based on ACMG/AMP sequence variant interpretation guidelines (Richards et al. 2015 PMID: 25741868, with internal and published modifications).